The following is an entry in ClinVar:

NM_001136191.3(KANK2):c.1085C>G (p.Thr362Arg)

Gene: KANK2 (KN motif and ankyrin repeat domains 2; minus strand). Cytogenetic location: 19p13.2.
Variant type: single nucleotide variant.
Coding change: c.1085C>G on transcript NM_001136191.3 (MANE Select); coding-DNA position 1085, C replaced by G.
Protein change: p.Thr362Arg; replaces threonine 362 with arginine.
Molecular consequence: missense variant.
Genome position (GRCh38, 1-based): chr19:11,192,995, G>C on the plus strand (C>G on the coding strand, the complement: KANK2 is on the minus strand). VCF-style: chr19-11192995-G-C. GRCh37 (hg19) VCF-style: chr19-11303671-G-C.
Other names: c.1085C>G, p.Thr362Arg (NM_001329451.2, NM_001379548.1, NM_001379549.1 and 15 more transcripts); short protein forms T362R.
Identifiers: ClinVar variation 4754198 (VCV004754198.1).

ClinVar aggregate classification (germline): Uncertain significance (1 of 4 stars; one submission).

Submission:

Labcorp Genetics (formerly Invitae), Labcorp
Classification: Uncertain significance. Last evaluated: 2025-12-18. Review status: criteria provided, single submitter. Criteria: Invitae Variant Classification Sherloc (09022015). Collection method: clinical testing. Allele origin: germline.
Comment: This sequence change replaces threonine, which is neutral and polar, with arginine, which is basic and polar, at codon 362 of the KANK2 protein (p.Thr362Arg). This variant is present in population databases (rs750841602, gnomAD 0.02%). This variant has not been reported in the literature in individuals affected with KANK2-related conditions. An algorithm developed to predict the effect of missense changes on protein structure and function (PolyPhen-2) suggests that this variant is likely to be tolerated. In summary, the available evidence is currently insufficient to determine the role of this variant in disease. Therefore, it has been classified as a Variant of Uncertain Significance.